The following is an entry in ClinVar:

NM_002180.3(IGHMBP2):c.128G>A (p.Arg43Gln)

Gene: IGHMBP2 (immunoglobulin mu DNA binding protein 2; plus strand). Cytogenetic location: 11q13.3.
Variant type: single nucleotide variant.
Coding change: c.128G>A on transcript NM_002180.3 (MANE Select); coding-DNA position 128, G replaced by A.
Protein change: p.Arg43Gln; replaces arginine 43 with glutamine.
Molecular consequence: missense variant.
Genome position (GRCh38, 1-based): chr11:68,906,110, G>A. VCF-style: chr11-68906110-G-A. GRCh37 (hg19) VCF-style: chr11-68673578-G-A.
Other names: short protein forms R43Q.
Identifiers: ClinVar variation 567358 (VCV000567358.9), dbSNP rs1021399630, ClinGen allele CA223383561.

ClinVar aggregate classification (germline): Uncertain significance (1 of 4 stars; one submission).

Conditions:
Charcot-Marie-Tooth disease axonal type 2S. Also called: CHARCOT-MARIE-TOOTH NEUROPATHY, TYPE 2S; CHARCOT-MARIE-TOOTH DISEASE, AXONAL, AUTOSOMAL RECESSIVE, TYPE 2S. Identifiers: Orphanet 443073, MedGen C4015349, MONDO:0014511, OMIM 616155.
Autosomal recessive distal spinal muscular atrophy 1. Also called: HMN VI; NEURONOPATHY, SEVERE INFANTILE AXONAL, WITH RESPIRATORY FAILURE; NEURONOPATHY, DISTAL HEREDITARY MOTOR, HARDING TYPE VI; NEUROPATHY, DISTAL HEREDITARY MOTOR, AUTOSOMAL RECESSIVE 1; SEVERE INFANTILE AXONAL NEUROPATHY WITH RESPIRATORY FAILURE; SPINAL MUSCULAR ATROPHY, DIAPHRAGMATIC. Identifiers: Orphanet 98920, MedGen C1858517, MONDO:0011436, OMIM 604320.

Allele frequency attached by ClinVar (database versions not stated): gnomAD exomes below 0.00001; TOPMed 0.00002; gnomAD 0.00003 and 0.00004.

Submission:

Labcorp Genetics (formerly Invitae), Labcorp
Classification: Uncertain significance for Autosomal recessive distal spinal muscular atrophy 1; Charcot-Marie-Tooth disease axonal type 2S. Last evaluated: 2022-08-23. Review status: criteria provided, single submitter. Criteria: Invitae Variant Classification Sherloc (09022015). Collection method: clinical testing. Allele origin: germline.
Comment: ClinVar contains an entry for this variant (Variation ID: 567358). Advanced modeling of protein sequence and biophysical properties (such as structural, functional, and spatial information, amino acid conservation, physicochemical variation, residue mobility, and thermodynamic stability) performed at Invitae indicates that this missense variant is not expected to disrupt IGHMBP2 protein function. In summary, the available evidence is currently insufficient to determine the role of this variant in disease. Therefore, it has been classified as a Variant of Uncertain Significance. This variant has not been reported in the literature in individuals affected with IGHMBP2-related conditions. This variant is not present in population databases (gnomAD no frequency). This sequence change replaces arginine, which is basic and polar, with glutamine, which is neutral and polar, at codon 43 of the IGHMBP2 protein (p.Arg43Gln).